The following is an entry in ClinVar:

ClinVar aggregate classification (germline): Uncertain significance (1 of 4 stars; one submission).

Submission:

GeneDx
Classification: Uncertain significance. Last evaluated: 2024-11-06. Review status: criteria provided, single submitter. Criteria: GeneDx Variant Classification Process June 2021. Collection method: clinical testing. Allele origin: germline. Affected: yes.
Comment: In silico analysis supports that this missense variant has a deleterious effect on protein structure/function; Not observed at significant frequency in large population cohorts (gnomAD); Has not been previously published as pathogenic or benign to our knowledge

NM_001178015.2(SLC4A10):c.1919C>A (p.Ala640Asp)

Gene: SLC4A10 (solute carrier family 4 member 10; plus strand). Cytogenetic location: 2q24.2.
Variant type: single nucleotide variant.
Coding change: c.1919C>A on transcript NM_001178015.2 (MANE Select); coding-DNA position 1919, C replaced by A.
Protein change: p.Ala640Asp; replaces alanine 640 with aspartic acid.
Molecular consequence: missense variant.
Genome position (GRCh38, 1-based): chr2:161,905,809, C>A. VCF-style: chr2-161905809-C-A. GRCh37 (hg19) VCF-style: chr2-162762319-C-A.
Other names: c.1862C>A, p.Ala621Asp (NM_001178016.2, NM_001354445.2); c.1919C>A, p.Ala640Asp (NM_001354440.2); c.1952C>A, p.Ala651Asp (NM_001354441.2, NM_001354442.2); c.1865C>A, p.Ala622Asp (NM_001354443.2, NM_001354447.2); c.1916C>A, p.Ala639Asp (NM_001354444.2); c.1829C>A, p.Ala610Asp (NM_001354446.2, NM_001354450.2, NM_022058.4); c.1859C>A, p.Ala620Asp (NM_001354448.2); c.1826C>A, p.Ala609Asp (NM_001354449.2, NM_001354451.2); and 3 more; short protein forms A417D, A561D, A609D, A610D, A620D, A621D, A622D, A639D.
Identifiers: ClinVar variation 3898992 (VCV003898992.1).